The following is an entry in ClinVar:

ClinVar aggregate classification (germline): Uncertain significance (1 of 4 stars; one submission).

Conditions:
Pulmonary hypertension, primary, 4. Identifiers: Orphanet 422, MedGen C3809198, MONDO:0014136, OMIM 615344.

gnomAD v4.1: 3 of 1,469,992 alleles (0.0002%); highest among the groups gnomAD compares: Non-Finnish European, 0.00027%; no homozygotes.

Submission:

Labcorp Genetics (formerly Invitae), Labcorp
Classification: Uncertain significance for Pulmonary hypertension, primary, 4. Last evaluated: 2024-10-09. Review status: criteria provided, single submitter. Criteria: Invitae Variant Classification Sherloc (09022015). Collection method: clinical testing. Allele origin: germline.
Comment: This sequence change replaces arginine, which is basic and polar, with cysteine, which is neutral and slightly polar, at codon 385 of the KCNK3 protein (p.Arg385Cys). This variant is not present in population databases (gnomAD no frequency). This variant has not been reported in the literature in individuals affected with KCNK3-related conditions. An algorithm developed to predict the effect of missense changes on protein structure and function (PolyPhen-2) suggests that this variant is likely to be disruptive. In summary, the available evidence is currently insufficient to determine the role of this variant in disease. Therefore, it has been classified as a Variant of Uncertain Significance.

NM_002246.3(KCNK3):c.1153C>T (p.Arg385Cys)

Gene: KCNK3 (potassium two pore domain channel subfamily K member 3; plus strand). Cytogenetic location: 2p23.3.
Variant type: single nucleotide variant.
Coding change: c.1153C>T on transcript NM_002246.3 (MANE Select); coding-DNA position 1153, C replaced by T.
Protein change: p.Arg385Cys; replaces arginine 385 with cysteine.
Molecular consequence: missense variant.
Genome position (GRCh38, 1-based): chr2:26,728,536, C>T. VCF-style: chr2-26728536-C-T. GRCh37 (hg19) VCF-style: chr2-26951404-C-T.
Other names: short protein forms R385C.
Identifiers: ClinVar variation 3625138 (VCV003625138.2).